The following is an entry in ClinVar:

ClinVar aggregate classification (germline): Pathogenic (1 of 4 stars; one submission).

Conditions:
Aicardi-Goutieres syndrome 2. Identifiers: Orphanet 51, MedGen C3489724, MONDO:0012429, OMIM 610181.

Allele frequency attached by ClinVar (database versions not stated): gnomAD exomes below 0.00001; ExAC 0.00001.
gnomAD v4.1: 1 of 1,574,760 alleles (0.000064%); highest among the groups gnomAD compares: Non-Finnish European, 0.000087%; no homozygotes.

Submission:

Labcorp Genetics (formerly Invitae), Labcorp
Classification: Pathogenic for Aicardi-Goutieres syndrome 2. Last evaluated: 2023-03-03. Review status: criteria provided, single submitter. Criteria: Invitae Variant Classification Sherloc (09022015). Collection method: clinical testing. Allele origin: germline.
Comment: This sequence change creates a premature translational stop signal (p.Tyr23*) in the RNASEH2B gene. It is expected to result in an absent or disrupted protein product. Loss-of-function variants in RNASEH2B are known to be pathogenic (PMID: 17846997). This variant is present in population databases (rs778329909, gnomAD 0.0009%). For these reasons, this variant has been classified as Pathogenic. This variant has not been reported in the literature in individuals affected with RNASEH2B-related conditions.

Literature cited by the submitters: PubMed 17846997.

NM_024570.4(RNASEH2B):c.69T>A (p.Tyr23Ter)

Gene: RNASEH2B (ribonuclease H2 subunit B; plus strand). Cytogenetic location: 13q14.3.
Variant type: single nucleotide variant.
Coding change: c.69T>A on transcript NM_024570.4 (MANE Select); coding-DNA position 69, T replaced by A.
Protein change: p.Tyr23Ter; replaces tyrosine 23 with a stop codon.
Molecular consequence: nonsense.
Genome position (GRCh38, 1-based): chr13:50,927,411, T>A. VCF-style: chr13-50927411-T-A. GRCh37 (hg19) VCF-style: chr13-51501547-T-A.
Other names: c.69T>A, p.Tyr23Ter (NM_001142279.2, NM_001411023.1); short protein forms Y23*.
Identifiers: ClinVar variation 2842511 (VCV002842511.3), dbSNP rs778329909, ClinGen allele CA6985433.